The following is an entry in ClinVar:

NM_177924.5(ASAH1):c.*926A>T

Gene: ASAH1 (N-acylsphingosine amidohydrolase 1; minus strand). Cytogenetic location: 8p22.
Variant type: single nucleotide variant.
Coding change: c.*926A>T on transcript NM_177924.5 (MANE Select); 926 bases downstream of the stop codon, A replaced by T.
Molecular consequence: 3 prime UTR variant.
Genome position (GRCh38, 1-based): chr8:18,056,608, T>A on the plus strand (A>T on the coding strand, the complement: ASAH1 is on the minus strand). VCF-style: chr8-18056608-T-A. GRCh37 (hg19) VCF-style: chr8-17914117-T-A.
Other names: c.*926A>T (NM_001127505.3, NM_001363743.2, NM_004315.6).
Identifiers: ClinVar variation 911398 (VCV000911398.4), dbSNP rs3810, ClinGen allele CA173134686.

ClinVar aggregate classification (germline): Benign (1 of 4 stars; one submission).

Conditions:
Farber lipogranulomatosis (FRBRL). Also called: Farber's lipogranulomatosis; AC DEFICIENCY; ACID CERAMIDASE DEFICIENCY; CERAMIDASE DEFICIENCY; N-LAURYLSPHINGOSINE DEACYLASE DEFICIENCY; Farber's disease. Identifiers: Orphanet 333, MedGen C0268255, MONDO:0009218, OMIM 228000.

Allele frequency attached by ClinVar (database versions not stated): 1000 Genomes Project 30x 0.00375; 1000 Genomes Project 0.00399.

Submission:

Illumina Laboratory Services, Illumina
Classification: Benign for Farber lipogranulomatosis. Last evaluated: 2017-04-27. Review status: criteria provided, single submitter. Criteria: ICSL Variant Classification Criteria 13 December 2019. Collection method: clinical testing. Allele origin: germline.
Comment: This variant was observed as part of a predisposition screen in an ostensibly healthy population. A literature search was performed for the gene, cDNA change, and amino acid change (where applicable). Publications were found based on this search. The evidence from the literature, in combination with allele frequency data from public databases where available, was sufficient to rule this variant out of causing disease. Therefore, this variant is classified as benign.

Literature cited by the submitters: PubMed 20560208; PubMed 21893389.